The following is an entry in ClinVar:

ClinVar aggregate classification (germline): Uncertain significance (0 of 4 stars; one submission).

Submission:

Leiden Open Variation Database
Classification: Uncertain significance. Last evaluated: 2021-04-06. Review status: no assertion criteria provided. Collection method: curation. Allele origin: germline. Affected: yes.
Comment: Curator: Global Variome, with Curator vacancy. Submitter to LOVD: Manon Peeters.

Literature cited by the submitters: PubMed 9331261.

NM_000322.5(PRPH2):c.1005G>A (p.Glu335=)

Gene: PRPH2 (peripherin 2; minus strand). Cytogenetic location: 6p21.1.
Variant type: single nucleotide variant.
Coding change: c.1005G>A on transcript NM_000322.5 (MANE Select); coding-DNA position 1005, G replaced by A.
Protein change: p.Glu335=; no amino-acid change (glutamic acid 335 retained).
Molecular consequence: synonymous variant.
Genome position (GRCh38, 1-based): chr6:42,698,331, C>T on the plus strand (G>A on the coding strand, the complement: PRPH2 is on the minus strand). VCF-style: chr6-42698331-C-T. GRCh37 (hg19) VCF-style: chr6-42666069-C-T.
Identifiers: ClinVar variation 1175305 (VCV001175305.1), dbSNP rs1011239238, ClinGen allele CA450243968.